The following is an entry in ClinVar:

NM_004341.5(CAD):c.897G>A (p.Val299=)

Gene: CAD (carbamoyl-phosphate synthetase 2, aspartate transcarbamylase, and dihydroorotase; plus strand). Cytogenetic location: 2p23.3.
Variant type: single nucleotide variant.
Coding change: c.897G>A on transcript NM_004341.5 (MANE Select); coding-DNA position 897, G replaced by A.
Protein change: p.Val299=; no amino-acid change (valine 299 retained).
Molecular consequence: synonymous variant.
Genome position (GRCh38, 1-based): chr2:27,223,650, G>A. VCF-style: chr2-27223650-G-A. GRCh37 (hg19) VCF-style: chr2-27446518-G-A.
Other names: c.897G>A, p.Val299= (NM_001306079.2).
Identifiers: ClinVar variation 2066964 (VCV002066964.2), dbSNP rs2465293110, ClinGen allele CA425382573.

ClinVar aggregate classification (germline): Uncertain significance (1 of 4 stars; one submission).

Submission:

Labcorp Genetics (formerly Invitae), Labcorp
Classification: Uncertain significance. Last evaluated: 2023-12-07. Review status: criteria provided, single submitter. Criteria: Invitae Variant Classification Sherloc (09022015). Collection method: clinical testing. Allele origin: germline.
Comment: This sequence change affects codon 299 of the CAD mRNA. It is a 'silent' change, meaning that it does not change the encoded amino acid sequence of the CAD protein. This variant is not present in population databases (gnomAD no frequency). This variant has not been reported in the literature in individuals affected with CAD-related conditions. ClinVar contains an entry for this variant (Variation ID: 2066964). Algorithms developed to predict the effect of sequence changes on RNA splicing suggest that this variant may create or strengthen a splice site. In summary, the available evidence is currently insufficient to determine the role of this variant in disease. Therefore, it has been classified as a Variant of Uncertain Significance.